The following is an entry in ClinVar:

NM_012330.4(KAT6B):c.930G>T (p.Gly310=)

Gene: KAT6B (lysine acetyltransferase 6B; plus strand). Cytogenetic location: 10q22.2.
Variant type: single nucleotide variant.
Coding change: c.930G>T on transcript NM_012330.4 (MANE Select); coding-DNA position 930, G replaced by T.
Protein change: p.Gly310=; no amino-acid change (glycine 310 retained).
Molecular consequence: synonymous variant. On other transcripts: intron variant (5).
Genome position (GRCh38, 1-based): chr10:74,972,508, G>T. VCF-style: chr10-74972508-G-T. GRCh37 (hg19) VCF-style: chr10-76732266-G-T.
Other names: c.930G>T (NM_012330.3); c.192+12430G>T (NM_001370135.1); c.930G>T, p.Gly310= (NM_001370141.1, NM_001370142.1, NM_001256468.2 and 7 more transcripts); c.846+2733G>T (NM_001370133.1); c.193-6716G>T (NM_001370134.1); c.928+2407G>T (NM_001370143.1, NM_001370144.1).
Identifiers: ClinVar variation 2991609 (VCV002991609.4), dbSNP rs996995485, ClinGen allele CA209702015.

ClinVar aggregate classification (germline): Likely benign. Review status: criteria provided, multiple submitters, no conflicts (2 of 4 stars). 2 submissions from 2 submitters: Likely benign (2). Last evaluated 2024-03-21.

Conditions:
Genitopatellar syndrome (GTPTS). Also called: ABSENT PATELLAE, SCROTAL HYPOPLASIA, RENAL ANOMALIES, FACIAL DYSMORPHISM, AND MENTAL RETARDATION; Genitopatellar syndrome (GPS). Identifiers: Orphanet 85201, MedGen C1853566, MONDO:0011640, OMIM 606170.

gnomAD v4.1: 1 of 1,581,046 alleles (0.000063%); highest among the groups gnomAD compares: Admixed American, 0.0017%; no homozygotes.

Submissions (2):

GeneDx
Classification: Likely benign. Last evaluated: 2024-03-21. Review status: criteria provided, single submitter. Criteria: GeneDx Variant Classification Process June 2021. Collection method: clinical testing. Allele origin: germline. Affected: yes.
Comment: See Variant Classification Assertion Criteria.

Labcorp Genetics (formerly Invitae), Labcorp
Classification: Likely benign for Genitopatellar syndrome. Last evaluated: 2023-01-28. Review status: criteria provided, single submitter. Criteria: Invitae Variant Classification Sherloc (09022015). Collection method: clinical testing. Allele origin: germline.